The following is an entry in ClinVar:

ClinVar aggregate classification (germline): Pathogenic/Likely pathogenic. Review status: criteria provided, multiple submitters, no conflicts (2 of 4 stars). 8 submissions from 8 submitters: Pathogenic (5); Likely pathogenic (3). Last evaluated 2025-10-13.

Conditions:
TBK1-related disorder. Also called: TBK1-related condition.
Amyotrophic lateral sclerosis (ALS). Also called: Lou Gehrig disease; Charcot disease. Identifiers: Orphanet 803, MedGen C0002736, MONDO:0004976, HP:0007354.
Frontotemporal dementia and/or amyotrophic lateral sclerosis 4. Also called: FTDALS4. Identifiers: Orphanet 275872, MedGen C4225325, MONDO:0014641, OMIM 616439.

Submissions (8):

Labcorp Genetics (formerly Invitae), Labcorp
Classification: Pathogenic for Frontotemporal dementia and/or amyotrophic lateral sclerosis 4. Last evaluated: 2025-10-13. Review status: criteria provided, single submitter. Criteria: Invitae Variant Classification Sherloc (09022015). Collection method: clinical testing. Allele origin: germline.
Comment: This variant, c.1928_1930del, results in the deletion of 1 amino acid(s) of the TBK1 protein (p.Glu643del), but otherwise preserves the integrity of the reading frame. This variant is present in population databases (no rsID available, gnomAD 0.002%). This variant has been observed in individuals with amyotrophic lateral sclerosis or frontotemporal dementia (PMID: 25803835, 28008748, 30033073). ClinVar contains an entry for this variant (Variation ID: 807508). Algorithms developed to predict the effect of variants on gene product structure and function are not available or were not evaluated for this variant. Experimental studies have shown that this variant affects TBK1 function (PMID: 28008748). For these reasons, this variant has been classified as Pathogenic.

PreventionGenetics, part of Exact Sciences
Classification: Pathogenic for TBK1-related condition. Last evaluated: 2025-05-08. Review status: criteria provided, single submitter. Criteria: ACMG Guidelines, 2015. Collection method: clinical testing. Allele origin: germline.
Comment: The TBK1 c.1928_1930delAAG variant is predicted to result in an in-frame deletion (p.Glu643del). This variant has been reported in multiple unrelated individuals with amyotrophic lateral sclerosis and/or frontotemporal dementia (Freischmidt et al 2015. PubMed ID: 25803835; van der Zee et al. 2017. PubMed ID: 28008748; Liu et al. 2020. PubMed ID: 32893041) and found to segregate with the condition in at least two large families (Gijselinck et al 2015. PubMed ID: 26581300; Van Mossevelde et al. 2016. PubMed ID: 26674655). This variant is reported in 0.0024% of alleles in individuals of European (non-Finnish) descent in gnomAD and has been consistently classified as pathogenic/likely pathogenic in ClinVar. This variant is interpreted as pathogenic.

GeneDx
Classification: Pathogenic. Last evaluated: 2025-04-09. Review status: criteria provided, single submitter. Criteria: GeneDx Variant Classification Process June 2021. Collection method: clinical testing. Allele origin: germline. Affected: yes.
Comment: Identified in patients with features consistent with autosomal dominant TBK1-related neurodegenerative disorder in published literature (PMID: 32671691, 30033073, 26581300, 25803835); Published functional studies demonstrate that this variant disrupts the normal TBK1 protein function (PMID: 28008748); Not observed at significant frequency in large population cohorts (gnomAD); In silico analysis supports a deleterious effect on protein structure/function; In-frame deletion of 1 amino acid(s) in a non-repeat region; This variant is associated with the following publications: (PMID: 25700176, Fiorini2023[article], 26674655, 29137817, 28008748, 26581300, 31498468, 28889094, 33589474, 30033073, 25803835, 32671691)

Clinical Genetics Laboratory, Skane University Hospital Lund
Classification: Likely pathogenic for Frontotemporal dementia and/or amyotrophic lateral sclerosis 4. Last evaluated: 2025-03-31. Review status: criteria provided, single submitter. Criteria: ACMG Guidelines, 2015. Collection method: clinical testing. Allele origin: germline. Affected: yes.
Comment: ACMG criteria used: PS3 supporting, PS4, PM4

Greenwood Genetic Center Diagnostic Laboratories, Greenwood Genetic Center
Classification: Likely pathogenic for Frontotemporal dementia and/or amyotrophic lateral sclerosis 4. Last evaluated: 2022-05-06. Review status: criteria provided, single submitter. Criteria: ACMG Guidelines, 2015. Collection method: clinical testing. Allele origin: germline. Affected: yes.
Comment: PS2, PS3_Moderate

Dept. of Medical Genetics, Telemark Hospital Trust, Telemark Hospital Trust
Classification: Likely pathogenic for Amyotrophic Lateral Sclerosis. Last evaluated: 2022-01-01. Review status: criteria provided, single submitter. Criteria: ACMG Guidelines, 2015. Collection method: research. Allele origin: germline. Affected: yes.

Institute of Human Genetics Munich, TUM University Hospital
Classification: Pathogenic for Frontotemporal dementia and/or amyotrophic lateral sclerosis 4. Last evaluated: 2018-01-22. Review status: criteria provided, single submitter. Criteria: Classification criteria August 2017. Collection method: clinical testing. Allele origin: germline. Inheritance: Autosomal dominant inheritance. Affected: yes. Observed: 1 heterozygote.

CeGaT Center for Human Genetics Tuebingen
Classification: Pathogenic. Last evaluated: 2016-09-01. Review status: criteria provided, single submitter. Criteria: CeGaT Center For Human Genetics Tuebingen Variant Classification Criteria Version 2. Collection method: clinical testing. Allele origin: germline. Affected: yes. Observed: 1 variant allele.

Literature cited by the submitters: PubMed 25803835 (cited by Labcorp Genetics (formerly Invitae), Labcorp); PubMed 28008748 (cited by Labcorp Genetics (formerly Invitae), Labcorp); PubMed 30033073 (cited by Labcorp Genetics (formerly Invitae), Labcorp).

NM_013254.4(TBK1):c.1922AAG[2] (p.Glu643del)

Gene: TBK1 (TANK binding kinase 1; plus strand). Cytogenetic location: 12q14.2.
Variant type: Microsatellite.
Coding change: c.1922AAG[2] on transcript NM_013254.4 (MANE Select); two copies in a row of the 3-base unit AAG starting at c.1922; the reference has three copies in a row; one copy, 3 bases deleted; also written c.1928_1930del.
Protein change: p.Glu643del; deletes glutamic acid 643.
Molecular consequence: inframe deletion.
Genome position (GRCh38, 1-based): chr12:64,497,228-64,497,230, AAG deleted; deleting any 3 consecutive bases within chr12:64,497,221-64,497,230 gives the same sequence; the position shown is the placement nearest the transcript's 3' end. VCF-style (leftmost placement, unchanged base first): chr12-64497220-TGAA-T. GRCh37 (hg19) VCF-style: chr12-64891000-TGAA-T.
Other names: c.1928_1930del (NM_013254.4); c.1928_1930delAAG (NM_013254.3); short protein forms E643del.
Identifiers: ClinVar variation 807508 (VCV000807508.55), dbSNP rs1402092579, ClinGen allele CA385606364.
Genomic context (GRCh38, chr12:64,497,220, plus strand): 5'-CAGAAAGATGCTTCATCTTAGGAAACAGTTATTATCGCTGACTAATCAGTGTTTTGATAT[TGAA>T]GAAGAAGTATCAAAATATCAAGAATATACTAATGAGGTAGGTACAGCTGTCAAGGAAAAA-3'